The following is an entry in ClinVar:

ClinVar aggregate classification (germline): Likely benign (1 of 4 stars; one submission).

Conditions:
SPTBN1-related disorder. Also called: SPTBN1-related condition.

gnomAD v4.1: 228 of 1,614,038 alleles (0.014%); highest among the groups gnomAD compares: East Asian, 0.22%; 1 homozygote.

Submission:

PreventionGenetics, part of Exact Sciences
Classification: Likely benign for SPTBN1-related condition. Last evaluated: 2024-11-25. Review status: criteria provided, single submitter. Criteria: ACMG Guidelines, 2015. Collection method: clinical testing. Allele origin: germline.
Comment: This variant is classified as likely benign based on ACMG/AMP sequence variant interpretation guidelines (Richards et al. 2015 PMID: 25741868, with internal and published modifications).

NM_003128.3(SPTBN1):c.7026C>T (p.Pro2342=)

Genes: SPTBN1 (spectrin beta, non-erythrocytic 1; plus strand), SPTBN1-AS2 (SPTBN1 antisense RNA 2; minus strand). Cytogenetic location: 2p16.2.
Variant type: single nucleotide variant.
Coding change: c.7026C>T on transcript NM_003128.3 (MANE Select); coding-DNA position 7026, C replaced by T.
Protein change: p.Pro2342=; no amino-acid change (proline 2342 retained).
Molecular consequence: synonymous variant.
Genome position (GRCh38, 1-based): chr2:54,668,500, C>T. VCF-style: chr2-54668500-C-T. GRCh37 (hg19) VCF-style: chr2-54895637-C-T.
Identifiers: ClinVar variation 4980758 (VCV004980758.1).